The following is an entry in ClinVar:

ClinVar aggregate classification (germline): Uncertain significance (1 of 4 stars; one submission).

Conditions:
Emery-Dreifuss muscular dystrophy 5, autosomal dominant (EDMD5). Also called: EMERY-DREIFUSS MUSCULAR DYSTROPHY 5. Identifiers: Orphanet 261, MedGen C2751805, MONDO:0013072, OMIM 612999.

Allele frequency attached by ClinVar (database versions not stated): ExAC 0.00001; TOPMed 0.00001.
gnomAD v4.1: 4 of 1,614,164 alleles (0.00025%); highest among the groups gnomAD compares: Admixed American, 0.005%; no homozygotes.

Submission:

Labcorp Genetics (formerly Invitae), Labcorp
Classification: Uncertain significance for Emery-Dreifuss muscular dystrophy 5, autosomal dominant. Last evaluated: 2022-12-31. Review status: criteria provided, single submitter. Criteria: Invitae Variant Classification Sherloc (09022015). Collection method: clinical testing. Allele origin: germline.
Comment: This sequence change replaces valine, which is neutral and non-polar, with methionine, which is neutral and non-polar, at codon 2386 of the SYNE2 protein (p.Val2386Met). This variant is present in population databases (rs771798098, gnomAD 0.009%). This variant has not been reported in the literature in individuals affected with SYNE2-related conditions. Algorithms developed to predict the effect of missense changes on protein structure and function output the following: SIFT: "Tolerated"; PolyPhen-2: "Benign"; Align-GVGD: "Class C0". The methionine amino acid residue is found in multiple mammalian species, which suggests that this missense change does not adversely affect protein function. In summary, the available evidence is currently insufficient to determine the role of this variant in disease. Therefore, it has been classified as a Variant of Uncertain Significance.

NM_182914.3(SYNE2):c.7156G>A (p.Val2386Met)

Gene: SYNE2 (spectrin repeat containing nuclear envelope protein 2; plus strand). Cytogenetic location: 14q23.2.
Variant type: single nucleotide variant.
Coding change: c.7156G>A on transcript NM_182914.3 (MANE Select); coding-DNA position 7156, G replaced by A.
Protein change: p.Val2386Met; replaces valine 2386 with methionine.
Molecular consequence: missense variant.
Genome position (GRCh38, 1-based): chr14:64,031,292, G>A. VCF-style: chr14-64031292-G-A. GRCh37 (hg19) VCF-style: chr14-64498010-G-A.
Other names: c.7156G>A, p.Val2386Met (NM_015180.6); short protein forms V2386M.
Identifiers: ClinVar variation 3014767 (VCV003014767.3), dbSNP rs771798098, ClinGen allele CA7220853.